The following is an entry in ClinVar:

NM_017617.5(NOTCH1):c.2868C>T (p.Asn956=)

Gene: NOTCH1 (notch receptor 1; minus strand). Cytogenetic location: 9q34.3.
Variant type: single nucleotide variant.
Coding change: c.2868C>T on transcript NM_017617.5 (MANE Select); coding-DNA position 2868, C replaced by T.
Protein change: p.Asn956=; no amino-acid change (asparagine 956 retained).
Molecular consequence: synonymous variant.
Genome position (GRCh38, 1-based): chr9:136,509,834, G>A on the plus strand (C>T on the coding strand, the complement: NOTCH1 is on the minus strand). VCF-style: chr9-136509834-G-A. GRCh37 (hg19) VCF-style: chr9-139404286-G-A.
Other names: c.2868C>T, p.Asn956= (LRG_1122t1).
Identifiers: ClinVar variation 389956 (VCV000389956.15), dbSNP rs760227470, ClinGen allele CA5341127.

ClinVar aggregate classification (germline): Likely benign. Review status: criteria provided, multiple submitters, no conflicts (2 of 4 stars). 7 submissions from 6 submitters: Likely benign (7). Last evaluated 2025-12-11.

Conditions:
Adams-Oliver syndrome 5 (AOS5). Identifiers: Orphanet 974, MedGen C4014970, MONDO:0014459, OMIM 616028.
Familial thoracic aortic aneurysm and aortic dissection (TAAD). Also called: Thoracic aortic aneurysms and dissections. Identifiers: Orphanet 91387, MedGen C4707243, MONDO:0019625.
Aortic valve disease 1 (AOVD1). Identifiers: MedGen C3887892, MONDO:0024523, OMIM 109730.

Allele frequency attached by ClinVar (database versions not stated): gnomAD 0.00003 and 0.00004; TOPMed 0.00003; ExAC 0.00004.
gnomAD v4.1: 148 of 1,613,108 alleles (0.0092%); highest among the groups gnomAD compares: Non-Finnish European, 0.012%; 1 homozygote.

Submissions (7):

Labcorp Genetics (formerly Invitae), Labcorp
Classification: Likely benign for Adams-Oliver syndrome 5. Last evaluated: 2025-12-11. Review status: criteria provided, single submitter. Criteria: Invitae Variant Classification Sherloc (09022015). Collection method: clinical testing. Allele origin: germline.

ARUP Laboratories, Molecular Genetics and Genomics, ARUP Laboratories
Classification: Likely benign. Last evaluated: 2025-02-07. Review status: criteria provided, single submitter. Criteria: ARUP Molecular Germline Variant Investigation Process 2024. Collection method: clinical testing. Allele origin: germline.

Ambry Genetics
Classification: Likely benign for Familial thoracic aortic aneurysm and aortic dissection. Last evaluated: 2023-10-29. Review status: criteria provided, single submitter. Criteria: Ambry Variant Classification Scheme 2023. Collection method: clinical testing. Allele origin: germline.

CHEO Genetics Diagnostic Laboratory, Children's Hospital of Eastern Ontario
Classification: Likely benign for Familial thoracic aortic aneurysm and aortic dissection. Last evaluated: 2022-07-26. Review status: criteria provided, single submitter. Criteria: ACMG Guidelines, 2015. Collection method: clinical testing. Allele origin: germline.

Genome-Nilou Lab
Classification: Likely benign for Adams-Oliver syndrome 5. Last evaluated: 2022-03-15. Review status: criteria provided, single submitter. Criteria: ACMG Guidelines, 2015. Collection method: clinical testing. Allele origin: germline. Affected: no.

Genome-Nilou Lab
Classification: Likely benign for Aortic valve disease 1. Last evaluated: 2022-03-15. Review status: criteria provided, single submitter. Criteria: ACMG Guidelines, 2015. Collection method: clinical testing. Allele origin: germline. Affected: no.

GeneDx
Classification: Likely benign. Last evaluated: 2019-06-24. Review status: criteria provided, single submitter. Criteria: GeneDx Variant Classification (06012015). Collection method: clinical testing. Allele origin: germline. Affected: yes.
Comment: This variant is considered likely benign or benign based on one or more of the following criteria: it is a conservative change, it occurs at a poorly conserved position in the protein, it is predicted to be benign by multiple in silico algorithms, and/or has population frequency not consistent with disease.